The following is an entry in ClinVar:

ClinVar aggregate classification (germline): Likely benign. Review status: criteria provided, multiple submitters, no conflicts (2 of 4 stars). 4 submissions from 4 submitters: Likely benign (3). 1 of the submissions does not count toward it. Last evaluated 2025-12-08.

Conditions:
IFT43-related disorder. Also called: IFT43-related condition.

Allele frequency attached by ClinVar (database versions not stated): gnomAD 0.00014 and 0.00017; 1000 Genomes Project 0.00020; TOPMed 0.00023; gnomAD exomes 0.00027 and 0.00032; ExAC 0.00030; 1000 Genomes Project 30x 0.00031.
gnomAD v4.1: 440 of 1,614,210 alleles (0.027%); highest among the groups gnomAD compares: Middle Eastern, 0.38%; 1 homozygote.

Submissions (4):

Labcorp Genetics (formerly Invitae), Labcorp
Classification: Likely benign. Last evaluated: 2025-12-08. Review status: criteria provided, single submitter. Criteria: Invitae Variant Classification Sherloc (09022015). Collection method: clinical testing. Allele origin: germline.

Blueprint Genetics
Classification: Likely benign. Last evaluated: 2024-03-14. Review status: criteria provided, single submitter. Criteria: ACMG Guidelines, 2015. Collection method: clinical testing. Allele origin: germline.

Breakthrough Genomics
Classification: Likely benign. Review status: criteria provided, single submitter. Criteria: ACMG Guidelines, 2015. Collection method: not provided. Allele origin: germline. Inheritance: Autosomal recessive inheritance. Affected: yes.

PreventionGenetics, part of Exact Sciences
Classification: Likely benign for IFT43-related condition. Last evaluated: 2019-08-06. Review status: no assertion criteria provided. Collection method: clinical testing. Allele origin: germline. Not counted in ClinVar's aggregate classification.
Comment: This variant is classified as likely benign based on ACMG/AMP sequence variant interpretation guidelines (Richards et al. 2015 PMID: 25741868, with internal and published modifications).

NM_001102564.3(IFT43):c.21G>A (p.Leu7=)

Gene: IFT43 (intraflagellar transport 43; plus strand). Cytogenetic location: 14q24.3.
Variant type: single nucleotide variant.
Coding change: c.21G>A on transcript NM_001102564.3 (MANE Select); coding-DNA position 21, G replaced by A.
Protein change: p.Leu7=; no amino-acid change (leucine 7 retained).
Molecular consequence: synonymous variant. On other transcripts: non-coding transcript variant (2).
Genome position (GRCh38, 1-based): chr14:75,985,807, G>A. VCF-style: chr14-75985807-G-A. GRCh37 (hg19) VCF-style: chr14-76452150-G-A.
Other names: c.21G>A, p.Leu7= (NM_001255995.3, NM_052873.3).
Identifiers: ClinVar variation 314466 (VCV000314466.16), dbSNP rs193921095, ClinGen allele CA7280574.